The following is an entry in ClinVar:

NM_152281.3(GORAB):c.-53C>A

Genes: GORAB (golgin, RAB6 interacting; plus strand), GORAB-AS1 (GORAB antisense RNA 1; minus strand). Cytogenetic location: 1q24.2.
Variant type: single nucleotide variant.
Coding change: c.-53C>A on transcript NM_152281.3 (MANE Select); 53 bases upstream of the start codon, C replaced by A.
Molecular consequence: 5 prime UTR variant. On other transcripts: non-coding transcript variant (1).
Genome position (GRCh38, 1-based): chr1:170,532,171, C>A. VCF-style: chr1-170532171-C-A. GRCh37 (hg19) VCF-style: chr1-170501312-C-A.
Other names: c.-53C>A (NM_001146039.2); c.-818C>A (NM_001320252.2).
Identifiers: ClinVar variation 876746 (VCV000876746.9), dbSNP rs150688009, ClinGen allele CA1238972.
Genomic context (GRCh38, chr1:170,532,171, plus strand): 5'-CCGATGCACTGATTGGCCGCGGCCGGGGAAAAACCCGGATGAGCTGGGCAGCAGTGTTGG[C>A]AGTCGCGGCTGCGAGATTTGGGCACTTTTGGGGGTGCCGGTGGCCCGGGCCGATGGCGCA-3'

ClinVar aggregate classification (germline): Uncertain significance. Review status: criteria provided, multiple submitters, no conflicts (2 of 4 stars). 3 submissions from 3 submitters: Uncertain significance (3). Last evaluated 2023-04-11.

Conditions:
Geroderma osteodysplastica (GO). Also called: WALT DISNEY DWARFISM; Geroderma osteodysplasticum. Identifiers: Orphanet 2078, MedGen C0432255, MONDO:0009271, OMIM 231070.

Allele frequency attached by ClinVar (database versions not stated): gnomAD exomes 0.00003; ExAC 0.00004; TOPMed 0.00007; gnomAD 0.00009 and 0.00011; ESP Exome Variant Server 0.00023.
gnomAD v4.1: 19 of 1,613,248 alleles (0.0012%); highest among the groups gnomAD compares: African/African-American, 0.023%; no homozygotes.

Submissions (3):

Genome-Nilou Lab
Classification: Uncertain significance for Geroderma osteodysplastica. Last evaluated: 2023-04-11. Review status: criteria provided, single submitter. Criteria: ACMG Guidelines, 2015. Collection method: clinical testing. Allele origin: germline. Affected: no.

Labcorp Genetics (formerly Invitae), Labcorp
Classification: Uncertain significance. Last evaluated: 2022-07-11. Review status: criteria provided, single submitter. Criteria: Invitae Variant Classification Sherloc (09022015). Collection method: clinical testing. Allele origin: germline.
Comment: This sequence change replaces alanine, which is neutral and non-polar, with glutamic acid, which is acidic and polar, at codon 8 of the GORAB protein (p.Ala8Glu). This variant is present in population databases (rs150688009, gnomAD 0.02%). This variant has not been reported in the literature in individuals affected with GORAB-related conditions. ClinVar contains an entry for this variant (Variation ID: 876746). Algorithms developed to predict the effect of missense changes on protein structure and function are either unavailable or do not agree on the potential impact of this missense change (SIFT: "Deleterious"; PolyPhen-2: "Possibly Damaging"; Align-GVGD: "Class C0"). In summary, the available evidence is currently insufficient to determine the role of this variant in disease. Therefore, it has been classified as a Variant of Uncertain Significance.

Illumina Laboratory Services, Illumina
Classification: Uncertain significance for Geroderma osteodysplastica. Last evaluated: 2018-01-13. Review status: criteria provided, single submitter. Criteria: ICSL Variant Classification Criteria 13 December 2019. Collection method: clinical testing. Allele origin: germline.